The following is an entry in ClinVar:

ClinVar aggregate classification (germline): Likely pathogenic (1 of 4 stars; one submission).

Conditions:
Senior-Loken syndrome 7 (SLSN7). Identifiers: Orphanet 3156, MedGen C3150877, MONDO:0013326, OMIM 613615.
Bardet-Biedl syndrome 16 (BBS16). Identifiers: Orphanet 110, MedGen C3889474, MONDO:0014444, OMIM 615993.

Submission:

Labcorp Genetics (formerly Invitae), Labcorp
Classification: Likely pathogenic for Bardet-Biedl syndrome 16; Senior-Loken syndrome 7. Last evaluated: 2022-02-04. Review status: criteria provided, single submitter. Criteria: Invitae Variant Classification Sherloc (09022015). Collection method: clinical testing. Allele origin: germline.
Comment: ClinVar contains an entry for this variant (Variation ID: 938526). This variant has not been reported in the literature in individuals affected with SDCCAG8-related conditions. This variant is not present in population databases (gnomAD no frequency). This sequence change affects an acceptor splice site in intron 2 of the SDCCAG8 gene. It is expected to disrupt RNA splicing. Variants that disrupt the donor or acceptor splice site typically lead to a loss of protein function (PMID: 16199547), and loss-of-function variants in SDCCAG8 are known to be pathogenic (PMID: 20835237, 22190896). Algorithms developed to predict the effect of sequence changes on RNA splicing suggest that this variant may disrupt the consensus splice site. In summary, the currently available evidence indicates that the variant is pathogenic, but additional data are needed to prove that conclusively. Therefore, this variant has been classified as Likely Pathogenic.

Literature cited by the submitters: PubMed 16199547; PubMed 20835237; PubMed 22190896.

NM_006642.5(SDCCAG8):c.221-1G>A

Gene: SDCCAG8 (SHH signaling and ciliogenesis regulator SDCCAG8; plus strand). Cytogenetic location: 1q43.
Variant type: single nucleotide variant.
Coding change: c.221-1G>A on transcript NM_006642.5 (MANE Select); the canonical splice acceptor site of the intron before coding-DNA position 221, G replaced by A.
Molecular consequence: splice acceptor variant.
Genome position (GRCh38, 1-based): chr1:243,270,977, G>A. VCF-style: chr1-243270977-G-A. GRCh37 (hg19) VCF-style: chr1-243434279-G-A.
Other names: c.-74-1G>A (NM_001350249.2); c.-1153-1G>A (NM_001350251.2); c.221-1G>A (NM_001350248.2); c.-892-1G>A (NM_001350246.2); c.-780-1G>A (NM_001350247.2).
Identifiers: ClinVar variation 938526 (VCV000938526.8), dbSNP rs2068036602, ClinGen allele CA345474634.